The following is an entry in ClinVar:

ClinVar aggregate classification (germline): Uncertain significance (1 of 4 stars; one submission).

Conditions:
Hypertrophic cardiomyopathy 26. Also called: Cardiomyopathy, familial hypertrophic, 26. Identifiers: Orphanet 75249, MedGen C4310749, MONDO:0014883, OMIM 617047.
Myofibrillar myopathy 5. Also called: Filaminopathy (type); FILAMINOPATHY, AUTOSOMAL DOMINANT. Identifiers: Orphanet 171445, MedGen C1836050, MONDO:0012289, OMIM 609524.
Distal myopathy with posterior leg and anterior hand involvement. Also called: WILLIAMS DISTAL MYOPATHY. Identifiers: Orphanet 63273, MedGen C3279722, MONDO:0013550, OMIM 614065.

Submission:

Labcorp Genetics (formerly Invitae), Labcorp
Classification: Uncertain significance for Distal myopathy with posterior leg and anterior hand involvement; Myofibrillar myopathy 5; Hypertrophic cardiomyopathy 26. Last evaluated: 2021-09-18. Review status: criteria provided, single submitter. Criteria: Invitae Variant Classification Sherloc (09022015). Collection method: clinical testing. Allele origin: germline.
Comment: In summary, the available evidence is currently insufficient to determine the role of this variant in disease. Therefore, it has been classified as a Variant of Uncertain Significance. Algorithms developed to predict the effect of missense changes on protein structure and function are either unavailable or do not agree on the potential impact of this missense change (SIFT: "Deleterious"; PolyPhen-2: "Possibly Damaging"; Align-GVGD: "Class C0"). This variant has not been reported in the literature in individuals affected with FLNC-related conditions. This variant is not present in population databases (ExAC no frequency). This sequence change replaces valine with methionine at codon 2399 of the FLNC protein (p.Val2399Met). The valine residue is highly conserved and there is a small physicochemical difference between valine and methionine.

NM_001458.5(FLNC):c.7195G>A (p.Val2399Met)

Genes: FLNC (filamin C; plus strand), FLNC-AS1 (FLNC antisense RNA 1; minus strand). Cytogenetic location: 7q32.1.
Variant type: single nucleotide variant.
Coding change: c.7195G>A on transcript NM_001458.5 (MANE Select); coding-DNA position 7195, G replaced by A.
Protein change: p.Val2399Met; replaces valine 2399 with methionine.
Molecular consequence: missense variant.
Genome position (GRCh38, 1-based): chr7:128,855,258, G>A. VCF-style: chr7-128855258-G-A. GRCh37 (hg19) VCF-style: chr7-128495312-G-A.
Other names: c.7096G>A, p.Val2366Met (NM_001127487.2); short protein forms V2366M, V2399M.
Identifiers: ClinVar variation 1506118 (VCV001506118.6), dbSNP rs2128939752, ClinGen allele CA369215797.